The following is an entry in ClinVar:

NM_006949.4(STXBP2):c.1420C>T (p.Arg474Cys)

Gene: STXBP2 (syntaxin binding protein 2; plus strand). Cytogenetic location: 19p13.2.
Variant type: single nucleotide variant.
Coding change: c.1420C>T on transcript NM_006949.4 (MANE Select); coding-DNA position 1420, C replaced by T.
Protein change: p.Arg474Cys; replaces arginine 474 with cysteine.
Molecular consequence: missense variant. On other transcripts: non-coding transcript variant (1).
Genome position (GRCh38, 1-based): chr19:7,646,312, C>T. VCF-style: chr19-7646312-C-T. GRCh37 (hg19) VCF-style: chr19-7711198-C-T.
Other names: c.1411C>T, p.Arg471Cys (NM_001127396.3); c.1453C>T, p.Arg485Cys (NM_001272034.2); short protein forms R474C, R471C, R485C.
Identifiers: ClinVar variation 538143 (VCV000538143.6), dbSNP rs759586229, ClinGen allele CA9144147.

ClinVar aggregate classification (germline): Uncertain significance (1 of 4 stars; one submission).

Conditions:
Familial hemophagocytic lymphohistiocytosis 5. Also called: STXBP2-Related Familial Hemophagocytic Lymphohistiocytosis (STXBP2-fHLH). Identifiers: Orphanet 540, MedGen C2751293, MONDO:0013135, OMIM 613101.

Allele frequency attached by ClinVar (database versions not stated): ExAC 0.00001; gnomAD exomes 0.00001 and 0.00004; TOPMed 0.00002; gnomAD 0.00003.
gnomAD v4.1: 53 of 1,610,782 alleles (0.0033%); highest among the groups gnomAD compares: Non-Finnish European, 0.0043%; no homozygotes.

Submission:

Labcorp Genetics (formerly Invitae), Labcorp
Classification: Uncertain significance for Familial hemophagocytic lymphohistiocytosis 5. Last evaluated: 2022-08-16. Review status: criteria provided, single submitter. Criteria: Invitae Variant Classification Sherloc (09022015). Collection method: clinical testing. Allele origin: germline.
Comment: This sequence change replaces arginine, which is basic and polar, with cysteine, which is neutral and slightly polar, at codon 474 of the STXBP2 protein (p.Arg474Cys). The frequency data for this variant in the population databases is considered unreliable, as metrics indicate poor data quality at this position in the gnomAD database. This variant has not been reported in the literature in individuals affected with STXBP2-related conditions. ClinVar contains an entry for this variant (Variation ID: 538143). Algorithms developed to predict the effect of missense changes on protein structure and function are either unavailable or do not agree on the potential impact of this missense change (SIFT: "Deleterious"; PolyPhen-2: "Benign"; Align-GVGD: "Class C0"). In summary, the available evidence is currently insufficient to determine the role of this variant in disease. Therefore, it has been classified as a Variant of Uncertain Significance.